The following is an entry in ClinVar:

NM_003244.4(TGIF1):c.269G>A (p.Arg90His)

Gene: TGIF1 (TGFB induced factor homeobox 1; plus strand). Cytogenetic location: 18p11.31.
Variant type: single nucleotide variant.
Coding change: c.269G>A on transcript NM_003244.4 (MANE Select); coding-DNA position 269, G replaced by A.
Protein change: p.Arg90His; replaces arginine 90 with histidine.
Molecular consequence: missense variant.
Genome position (GRCh38, 1-based): chr18:3,457,390, G>A. VCF-style: chr18-3457390-G-A. GRCh37 (hg19) VCF-style: chr18-3457388-G-A.
Other names: c.278G>A, p.Arg93His (NM_001278682.2); c.269G>A, p.Arg90His (NM_001278684.2, NM_173208.3); c.209G>A, p.Arg70His (NM_001278686.3, NM_001374396.1, NM_001374397.1 and 5 more transcripts); c.311G>A, p.Arg104His (NM_173207.4); short protein forms R90H, R104H, R70H, R93H.
Identifiers: ClinVar variation 372529 (VCV000372529.3), dbSNP rs1057517835, ClinGen allele CA16043061.

ClinVar aggregate classification (germline): Pathogenic/Likely pathogenic. Review status: criteria provided, multiple submitters, no conflicts (2 of 4 stars). 2 submissions from 2 submitters: Pathogenic (1); Likely pathogenic (1). Last evaluated 2024-08-29.

Conditions:
Holoprosencephaly 4 (HPE4). Identifiers: Orphanet 2162, MedGen C1840528, MONDO:0007734, OMIM 142946.

Allele frequency attached by ClinVar (database versions not stated): gnomAD exomes below 0.00001.
gnomAD v4.1: 1 of 1,614,212 alleles (0.000062%); highest among the groups gnomAD compares: Non-Finnish European, 0.000085%; no homozygotes.

Submissions (2):

Division of Genetic & Genomic Pathology, Hong Kong Children's Hospital
Classification: Likely pathogenic for Holoprosencephaly 4. Last evaluated: 2024-08-29. Review status: criteria provided, single submitter. Criteria: ACMG Guidelines, 2015. Collection method: clinical testing. Allele origin: germline. Affected: yes.
Comment: The TGIF1 c.269G>A is a missense variant predicted to cause substitution of arginine by histidine at residue 90. The variant was found at an extremely low allele frequency among population controls (total 1/1,614,212 alleles on gnomAD v4.1.0). This variant has been deposited as pathogenic by a single submitter on ClinVar (VCV000372529.2). The computational predictor REVEL gives a score of 0.960, strongly predicting a deleterious effect of the variant. A different missense variant affecting the same codon (c.310C>T p.Arg104Cys) has been classified as likely pathogenic for holoprosencephaly (PMID: 11810641, 34440302, 16962354). For these reasons, TGIF1 c.311G>A is classified as likely pathogenic.

GeneDx
Classification: Pathogenic. Last evaluated: 2015-06-22. Review status: criteria provided, single submitter. Criteria: GeneDx Variant Classification (06012015). Collection method: clinical testing. Allele origin: germline. Affected: yes.
Comment: The R90H variant has not been published as pathogenic, nor has it been reported as a benign polymorphism to our knowledge. However, a missense variants at the same position (R90C) has been reported previously in a fetus with holoprosencephaly and premaxillary agenesis (Chen et al., 2002). Furthermore, this position is highly conserved in the TGIF protein and in related proteins, and in silico analysis predicts that R90H is damaging to the TGIF protein. Therefore, we interpret R90H to be a pathogenic variant.

Literature cited by the submitters: PubMed 11810641 (cited by Division of Genetic & Genomic Pathology, Hong Kong Children's Hospital); PubMed 34440302 (cited by Division of Genetic & Genomic Pathology, Hong Kong Children's Hospital); PubMed 16962354 (cited by Division of Genetic & Genomic Pathology, Hong Kong Children's Hospital).